The following is an entry in ClinVar:

NM_002292.4(LAMB2):c.2756C>T (p.Pro919Leu)

Gene: LAMB2 (laminin subunit beta 2; minus strand). Cytogenetic location: 3p21.31.
Variant type: single nucleotide variant.
Coding change: c.2756C>T on transcript NM_002292.4 (MANE Select); coding-DNA position 2756, C replaced by T.
Protein change: p.Pro919Leu; replaces proline 919 with leucine.
Molecular consequence: missense variant.
Genome position (GRCh38, 1-based): chr3:49,125,134, G>A on the plus strand (C>T on the coding strand, the complement: LAMB2 is on the minus strand). VCF-style: chr3-49125134-G-A. GRCh37 (hg19) VCF-style: chr3-49162567-G-A.
Other names: short protein forms P919L.
Identifiers: ClinVar variation 1963583 (VCV001963583.5), dbSNP rs2472541113, ClinGen allele CA352717168.

ClinVar aggregate classification (germline): Uncertain significance (1 of 4 stars; one submission).

Conditions:
LAMB2-related infantile-onset nephrotic syndrome. Also called: Nephrotic Syndrome, type 5; NEPHROTIC SYNDROME, TYPE 5, WITHOUT OCULAR ABNORMALITIES; NEPHROTIC SYNDROME, TYPE 5, WITH OCULAR ABNORMALITIES. Identifiers: Orphanet 306507, MedGen C3280113, MONDO:0013621, OMIM 614199.
Pierson syndrome. Also called: MICROCORIA-CONGENITAL NEPHROTIC SYNDROME. Identifiers: Orphanet 2670, MedGen C1836876, MONDO:0012184, OMIM 609049.

Submission:

Labcorp Genetics (formerly Invitae), Labcorp
Classification: Uncertain significance for LAMB2-related infantile-onset nephrotic syndrome; Pierson syndrome. Last evaluated: 2022-11-08. Review status: criteria provided, single submitter. Criteria: Invitae Variant Classification Sherloc (09022015). Collection method: clinical testing. Allele origin: germline.
Comment: This variant has not been reported in the literature in individuals affected with LAMB2-related conditions. This variant is not present in population databases (gnomAD no frequency). This sequence change replaces proline, which is neutral and non-polar, with leucine, which is neutral and non-polar, at codon 919 of the LAMB2 protein (p.Pro919Leu). Algorithms developed to predict the effect of missense changes on protein structure and function are either unavailable or do not agree on the potential impact of this missense change (SIFT: "Tolerated"; PolyPhen-2: "Possibly Damaging"; Align-GVGD: "Class C15"). In summary, the available evidence is currently insufficient to determine the role of this variant in disease. Therefore, it has been classified as a Variant of Uncertain Significance.